The following is an entry in ClinVar:

NM_001387430.1(SH2B1):c.1935A>T (p.Glu645Asp)

Gene: SH2B1 (SH2B adaptor protein 1; plus strand). Cytogenetic location: 16p11.2.
Variant type: single nucleotide variant.
Coding change: c.1935A>T on transcript NM_001387430.1 (MANE Select); coding-DNA position 1935, A replaced by T.
Protein change: p.Glu645Asp; replaces glutamic acid 645 with aspartic acid.
Molecular consequence: missense variant. On other transcripts: 3 prime UTR variant (5).
Genome position (GRCh38, 1-based): chr16:28,873,484, A>T. VCF-style: chr16-28873484-A-T. GRCh37 (hg19) VCF-style: chr16-28884805-A-T.
Other names: c.1935A>T, p.Glu645Asp (NM_001145795.2, NM_001308293.2, NM_001387404.1); c.*19A>T (NM_001145796.2, NM_001145812.2, NM_001308294.2 and 1 more transcripts); c.*36A>T (NM_001145797.2); short protein forms E645D.
Identifiers: ClinVar variation 3317996 (VCV003317996.3).

ClinVar aggregate classification (germline): Uncertain significance. Review status: criteria provided, multiple submitters, no conflicts (2 of 4 stars). 2 submissions from 2 submitters: Uncertain significance (2). Last evaluated 2026-05-10.

Conditions:
SH2B1-related disorder. Also called: SH2B1-related condition.

gnomAD v4.1: 33 of 1,573,384 alleles (0.0021%); highest among the groups gnomAD compares: Non-Finnish European, 0.00052%; no homozygotes.

Submissions (2):

PreventionGenetics, part of Exact Sciences
Classification: Uncertain significance for SH2B1-related condition. Last evaluated: 2026-05-10. Review status: criteria provided, single submitter. Criteria: ACMG Guidelines, 2015. Collection method: clinical testing. Allele origin: germline.
Comment: The SH2B1 c.1935A>T variant is predicted to result in the amino acid substitution p.Glu645Asp. To our knowledge, this variant has not been reported in the literature. This variant is reported in 0.079% of alleles in individuals of Ashkenazi Jewish descent in gnomAD. This variant could be benign. At this time, the clinical significance of this variant is uncertain due to the absence of conclusive functional and genetic evidence.

Ambry Genetics
Classification: Uncertain significance. Last evaluated: 2024-03-31. Review status: criteria provided, single submitter. Criteria: Ambry Variant Classification Scheme 2023. Collection method: clinical testing. Allele origin: germline.